The following is an entry in ClinVar:

ClinVar aggregate classification (germline): Pathogenic (1 of 4 stars; one submission).

Submission:

Labcorp Genetics (formerly Invitae), Labcorp
Classification: Pathogenic. Last evaluated: 2025-04-27. Review status: criteria provided, single submitter. Criteria: Invitae Variant Classification Sherloc (09022015). Collection method: clinical testing. Allele origin: germline.
Comment: This sequence change creates a premature translational stop signal (p.Val115Cysfs*31) in the FRAS1 gene. It is expected to result in an absent or disrupted protein product. Loss-of-function variants in FRAS1 are known to be pathogenic (PMID: 12766769, 18671281). This variant is present in population databases (rs746064215, gnomAD 0.0009%). This premature translational stop signal has been observed in individual(s) with clinical features of FRAS1-related conditions (PMID: 36398383). For these reasons, this variant has been classified as Pathogenic.

Literature cited by the submitters: PubMed 12766769; PubMed 18671281; PubMed 36398383.

NM_025074.7(FRAS1):c.342dup (p.Val115fs)

Gene: FRAS1 (Fraser extracellular matrix complex subunit 1; plus strand). Cytogenetic location: 4q21.21.
Variant type: Duplication.
Coding change: c.342dup on transcript NM_025074.7 (MANE Select); coding-DNA position 342, one base duplicated (T; older notation c.342dupT).
Protein change: p.Val115fs; shifts the reading frame from valine 115.
Molecular consequence: frameshift variant.
Genome position (GRCh38, 1-based): chr4:78,252,424, T duplicated. VCF-style (leftmost placement, unchanged base first): chr4-78252423-G-GT. GRCh37 (hg19) VCF-style: chr4-79173577-G-GT.
Other names: c.342dup, p.Val115fs (NM_001166133.2); short protein forms V115fs.
Identifiers: ClinVar variation 4769343 (VCV004769343.1).
Genomic context (GRCh38, chr4:78,252,423, plus strand): 5'-TTTTTTTTTTCTGTCTCCCTAACACACAGCATGGGACAGAATGGGCCTCTTCTCCATGTA[G>GT]TGTGTGCTCTTGCAATCATGGGGAAGTCCGATGTACCCCCCAACCATGCCCACCGCTGTC-3'